The following is an entry in ClinVar:

NM_001371986.1(UNC80):c.5789G>A (p.Arg1930Gln)

Gene: UNC80 (unc-80 subunit of NALCN channel complex; plus strand). Cytogenetic location: 2q34.
Variant type: single nucleotide variant.
Coding change: c.5789G>A on transcript NM_001371986.1 (MANE Select); coding-DNA position 5789, G replaced by A.
Protein change: p.Arg1930Gln; replaces arginine 1930 with glutamine.
Molecular consequence: missense variant.
Genome position (GRCh38, 1-based): chr2:209,926,969, G>A. VCF-style: chr2-209926969-G-A. GRCh37 (hg19) VCF-style: chr2-210791693-G-A.
Other names: c.5591G>A, p.Arg1864Gln (NM_032504.2); c.5576G>A, p.Arg1859Gln (NM_182587.4); short protein forms R1930Q, R1859Q, R1864Q.
Identifiers: ClinVar variation 2080627 (VCV002080627.2), dbSNP rs746686962, ClinGen allele CA2083323.

ClinVar aggregate classification (germline): Uncertain significance. Review status: criteria provided, multiple submitters, no conflicts (2 of 4 stars). 2 submissions from 2 submitters: Uncertain significance (2). Last evaluated 2023-11-16.

Allele frequency attached by ClinVar (database versions not stated): gnomAD exomes 0.00001; TOPMed 0.00002; gnomAD 0.00003; ExAC 0.00004.
gnomAD v4.1: 21 of 1,551,928 alleles (0.0014%); highest among the groups gnomAD compares: Middle Eastern, 0.017%; no homozygotes.

Submissions (2):

Blueprint Genetics
Classification: Uncertain significance. Last evaluated: 2023-11-16. Review status: criteria provided, single submitter. Criteria: ACMG Guidelines, 2015. Collection method: clinical testing. Allele origin: germline.

Labcorp Genetics (formerly Invitae), Labcorp
Classification: Uncertain significance. Last evaluated: 2022-09-08. Review status: criteria provided, single submitter. Criteria: Invitae Variant Classification Sherloc (09022015). Collection method: clinical testing. Allele origin: germline.
Comment: This sequence change replaces arginine, which is basic and polar, with glutamine, which is neutral and polar, at codon 1864 of the UNC80 protein (p.Arg1864Gln). This variant is present in population databases (rs746686962, gnomAD 0.03%). This missense change has been observed in individual(s) with clinical features of UNC80-related conditions (PMID: 28191889). Algorithms developed to predict the effect of missense changes on protein structure and function are either unavailable or do not agree on the potential impact of this missense change (SIFT: "Not Available"; PolyPhen-2: "Probably Damaging"; Align-GVGD: "Not Available"). In summary, the available evidence is currently insufficient to determine the role of this variant in disease. Therefore, it has been classified as a Variant of Uncertain Significance.

Literature cited by the submitters: PubMed 28191889 (cited by Labcorp Genetics (formerly Invitae), Labcorp).